The following is an entry in ClinVar:

NM_001101362.3(KBTBD13):c.475_478dup (p.Val160fs)

Gene: KBTBD13 (kelch repeat and BTB domain containing 13; plus strand). Cytogenetic location: 15q22.31.
Variant type: Duplication.
Coding change: c.475_478dup on transcript NM_001101362.3 (MANE Select); coding-DNA positions 475 to 478, 4 bases duplicated (GCCG; older notation c.475_478dupGCCG).
Protein change: p.Val160fs; shifts the reading frame from valine 160.
Molecular consequence: frameshift variant.
Genome position (GRCh38, 1-based): chr15:65,077,290-65,077,293, GCCG duplicated; duplicating any 4 consecutive bases within chr15:65,077,288-65,077,293 gives the same sequence; the c. name uses the placement nearest the transcript's 3' end. VCF-style (leftmost placement, unchanged base first): chr15-65077287-G-GCGGC. GRCh37 (hg19) VCF-style: chr15-65369625-G-GCGGC.
Other names: short protein forms V160fs.
Identifiers: ClinVar variation 2916461 (VCV002916461.3), dbSNP rs1337730697, ClinGen allele CA618956867.

ClinVar aggregate classification (germline): Uncertain significance (1 of 4 stars; one submission).

Conditions:
Nemaline myopathy 6 (NEM6). Also called: Nemaline myopathy 6, autosomal dominant. Identifiers: Orphanet 171439, MedGen C1836472, MONDO:0012237, OMIM 609273.

Submission:

Labcorp Genetics (formerly Invitae), Labcorp
Classification: Uncertain significance for Nemaline myopathy 6. Last evaluated: 2024-12-08. Review status: criteria provided, single submitter. Criteria: Invitae Variant Classification Sherloc (09022015). Collection method: clinical testing. Allele origin: germline.
Comment: This sequence change creates a premature translational stop signal (p.Val160Glyfs*92) in the KBTBD13 gene. While this is not anticipated to result in nonsense mediated decay, it is expected to disrupt the last 299 amino acid(s) of the KBTBD13 protein. This variant is present in population databases (no rsID available, gnomAD 0.007%). This variant has not been reported in the literature in individuals affected with KBTBD13-related conditions. ClinVar contains an entry for this variant (Variation ID: 2916461). Experimental studies and prediction algorithms are not available or were not evaluated, and the functional significance of this variant is currently unknown. In summary, the available evidence is currently insufficient to determine the role of this variant in disease. Therefore, it has been classified as a Variant of Uncertain Significance.